The following is an entry in ClinVar:

NM_004320.6(ATP2A1):c.2653G>A (p.Gly885Ser)

Gene: ATP2A1 (ATPase sarcoplasmic/endoplasmic reticulum Ca2+ transporting 1; plus strand). Cytogenetic location: 16p11.2.
Variant type: single nucleotide variant.
Coding change: c.2653G>A on transcript NM_004320.6 (MANE Select); coding-DNA position 2653, G replaced by A.
Protein change: p.Gly885Ser; replaces glycine 885 with serine.
Molecular consequence: missense variant.
Genome position (GRCh38, 1-based): chr16:28,902,820, G>A. VCF-style: chr16-28902820-G-A. GRCh37 (hg19) VCF-style: chr16-28914141-G-A.
Other names: c.2278G>A, p.Gly760Ser (NM_001286075.2); c.2653G>A, p.Gly885Ser (NM_173201.5); c.2653G>A (NM_173201.4); short protein forms G760S, G885S.
Identifiers: ClinVar variation 863736 (VCV000863736.7), dbSNP rs1312245541, ClinGen allele CA395415178.

ClinVar aggregate classification (germline): Uncertain significance. Review status: criteria provided, multiple submitters, no conflicts (2 of 4 stars). 2 submissions from 2 submitters: Uncertain significance (2). Last evaluated 2022-07-06.

Conditions:
Brody myopathy. Also called: BRODY DISEASE. Identifiers: Orphanet 53347, MedGen C1832918, MONDO:0010977, OMIM 601003.

Allele frequency attached by ClinVar (database versions not stated): gnomAD exomes 0.00001 and 0.00002; TOPMed 0.00002.
gnomAD v4.1: 6 of 1,613,816 alleles (0.00037%); highest among the groups gnomAD compares: Admixed American, 0.0083%; no homozygotes.

Submissions (2):

Labcorp Genetics (formerly Invitae), Labcorp
Classification: Uncertain significance for Brody myopathy. Last evaluated: 2022-07-06. Review status: criteria provided, single submitter. Criteria: Invitae Variant Classification Sherloc (09022015). Collection method: clinical testing. Allele origin: germline.
Comment: This sequence change replaces glycine, which is neutral and non-polar, with serine, which is neutral and polar, at codon 885 of the ATP2A1 protein (p.Gly885Ser). This variant is present in population databases (no rsID available, gnomAD 0.01%). This variant has not been reported in the literature in individuals affected with ATP2A1-related conditions. ClinVar contains an entry for this variant (Variation ID: 863736). Algorithms developed to predict the effect of missense changes on protein structure and function are either unavailable or do not agree on the potential impact of this missense change (SIFT: "Deleterious"; PolyPhen-2: "Possibly Damaging"; Align-GVGD: "Class C0"). In summary, the available evidence is currently insufficient to determine the role of this variant in disease. Therefore, it has been classified as a Variant of Uncertain Significance.

Revvity Omics, Revvity
Classification: Uncertain significance for Brody myopathy. Last evaluated: 2021-05-27. Review status: criteria provided, single submitter. Criteria: ACMG Guidelines, 2015. Collection method: clinical testing. Allele origin: germline.